The following is an entry in ClinVar:

NM_005068.3(SIM1):c.999-7C>T

Genes: SIM1 (SIM bHLH transcription factor 1; minus strand), SIM1-AS1 (SIM1 antisense RNA 1; plus strand). Cytogenetic location: 6q16.3.
Variant type: single nucleotide variant.
Coding change: c.999-7C>T on transcript NM_005068.3 (MANE Select); 7 bases into the intron before coding-DNA position 999, C replaced by T.
Molecular consequence: intron variant.
Genome position (GRCh38, 1-based): chr6:100,420,965, G>A on the plus strand (C>T on the coding strand, the complement: SIM1 is on the minus strand). VCF-style: chr6-100420965-G-A. GRCh37 (hg19) VCF-style: chr6-100868841-G-A.
Other names: c.999-7C>T (NM_001374769.1).
Identifiers: ClinVar variation 3354158 (VCV003354158.1).

ClinVar aggregate classification (germline): Likely benign (0 of 4 stars; one submission).

Conditions:
SIM1-related disorder. Also called: SIM1-related condition; SIM1-related disorders.

Submission:

PreventionGenetics, part of Exact Sciences
Classification: Likely benign for SIM1-related condition. Last evaluated: 2024-04-30. Review status: no assertion criteria provided. Collection method: clinical testing. Allele origin: germline.
Comment: This variant is classified as likely benign based on ACMG/AMP sequence variant interpretation guidelines (Richards et al. 2015 PMID: 25741868, with internal and published modifications).